The following is an entry in ClinVar:

NM_001367624.2(ZNF469):c.5350G>T (p.Asp1784Tyr)

Gene: ZNF469 (zinc finger protein 469; plus strand). Cytogenetic location: 16q24.2.
Variant type: single nucleotide variant.
Coding change: c.5350G>T on transcript NM_001367624.2 (MANE Select); coding-DNA position 5350, G replaced by T.
Protein change: p.Asp1784Tyr; replaces aspartic acid 1784 with tyrosine.
Molecular consequence: missense variant.
Genome position (GRCh38, 1-based): chr16:88,432,820, G>T. VCF-style: chr16-88432820-G-T. GRCh37 (hg19) VCF-style: chr16-88499228-G-T.
Other names: NM_001127464.1:c.5266G>T; short protein forms D1784Y.
Identifiers: ClinVar variation 4866991 (VCV004866991.1).

ClinVar aggregate classification (germline): Uncertain significance (1 of 4 stars; one submission).

Conditions:
Cardiovascular phenotype. Identifiers: MedGen CN230736.

Submission:

Ambry Genetics
Classification: Uncertain significance for Cardiovascular phenotype. Last evaluated: 2026-04-14. Review status: criteria provided, single submitter. Criteria: Ambry Variant Classification Scheme 2023. Collection method: clinical testing. Allele origin: germline.
Comment: The p.D1756Y variant (also known as c.5266G>T), located in coding exon 2 of the ZNF469 gene, results from a G to T substitution at nucleotide position 5266. The aspartic acid at codon 1756 is replaced by tyrosine, an amino acid with highly dissimilar properties. This amino acid position is conserved. In addition, this alteration is predicted to be tolerated by in silico analysis. Based on the available evidence, the clinical significance of this variant remains unclear.